The following is an entry in ClinVar:

NM_004667.6(HERC2):c.4144C>T (p.Arg1382Trp)

Gene: HERC2 (HECT and RLD domain containing E3 ubiquitin protein ligase 2; minus strand). Cytogenetic location: 15q13.1.
Variant type: single nucleotide variant.
Coding change: c.4144C>T on transcript NM_004667.6 (MANE Select); coding-DNA position 4144, C replaced by T.
Protein change: p.Arg1382Trp; replaces arginine 1382 with tryptophan.
Molecular consequence: missense variant.
Genome position (GRCh38, 1-based): chr15:28,234,144, G>A on the plus strand (C>T on the coding strand, the complement: HERC2 is on the minus strand). VCF-style: chr15-28234144-G-A. GRCh37 (hg19) VCF-style: chr15-28479290-G-A.
Other names: c.4144C>T (NM_004667.4); short protein forms R1382W.
Identifiers: ClinVar variation 452983 (VCV000452983.11), dbSNP rs200412833, ClinGen allele CA7442736.

ClinVar aggregate classification (germline): Conflicting classifications of pathogenicity. Review status: criteria provided, conflicting classifications (1 of 4 stars). 4 submissions from 4 submitters: Uncertain significance (2); Likely benign (2). Last evaluated 2025-11-07.

Conditions:
Inborn genetic diseases. Identifiers: MedGen C0950123, MeSH D030342.

Allele frequency attached by ClinVar (database versions not stated): ExAC below 0.00001; gnomAD exomes 0.00021 and 0.00053; 1000 Genomes Project 0.00120; 1000 Genomes Project 30x 0.00141; gnomAD 0.00141 and 0.00152; TOPMed 0.00197.
gnomAD v4.1: 326 of 829,818 alleles (0.039%); highest among the groups gnomAD compares: African/African-American, 0.46%; 2 homozygotes.

Submissions (4):

Women's Health and Genetics/Laboratory Corporation of America, LabCorp
Classification: Likely benign. Last evaluated: 2025-11-07. Review status: criteria provided, single submitter. Criteria: LabCorp Variant Classification Summary - May 2015. Collection method: clinical testing. Allele origin: germline.
Comment: Variant summary: HERC2 c.4144C>T (p.Arg1382Trp) results in a non-conservative amino acid change in the encoded protein sequence. Algorithms developed to predict the effect of missense changes on protein structure and function are either unavailable or do not agree on the potential impact of this missense change. The variant allele was found at a frequency of 0.00053 in 56336 control chromosomes, predominantly at a frequency of 0.0052 within the African or African-American subpopulation in the gnomAD database. The observed variant frequency within African or African-American control individuals in the gnomAD database exceeds the estimated maximal expected allele frequency for disease-causing variants in HERC2. To our knowledge, no occurrence of c.4144C>T in individuals affected with HERC2-related conditions and no experimental evidence demonstrating its impact on protein function have been reported. ClinVar contains an entry for this variant (Variation ID: 452983). Based on the evidence outlined above, the variant was classified as likely benign.

GeneDx
Classification: Uncertain significance. Last evaluated: 2025-08-08. Review status: criteria provided, single submitter. Criteria: GeneDx Variant Classification Process June 2021. Collection method: clinical testing. Allele origin: germline. Affected: yes.
Comment: In silico analysis suggests that this missense variant does not alter protein structure/function; Has not been previously published as pathogenic or benign to our knowledge

Ambry Genetics
Classification: Likely benign for Inborn genetic diseases. Last evaluated: 2021-10-14. Review status: criteria provided, single submitter. Criteria: Ambry Variant Classification Scheme 2023. Collection method: clinical testing. Allele origin: germline.

Breakthrough Genomics
Classification: Uncertain significance. Review status: criteria provided, single submitter. Criteria: ACMG Guidelines, 2015. Collection method: not provided. Allele origin: germline. Inheritance: Autosomal recessive inheritance. Affected: yes.